The following is an entry in ClinVar:

ClinVar aggregate classification (germline): Uncertain significance (1 of 4 stars; one submission).

Conditions:
Hereditary cancer-predisposing syndrome. Also called: Neoplastic Syndromes, Hereditary; Tumor predisposition; Hereditary neoplastic syndrome; Hereditary Cancer Syndrome. Identifiers: Orphanet 140162, MedGen C0027672, MeSH D009386, MONDO:0015356.

Submission:

Ambry Genetics
Classification: Uncertain significance for Hereditary cancer-predisposing syndrome. Last evaluated: 2023-01-17. Review status: criteria provided, single submitter. Criteria: Ambry Variant Classification Scheme 2023. Collection method: clinical testing. Allele origin: germline.
Comment: The p.A704D variant (also known as c.2111C>A), located in coding exon 4 of the MSH6 gene, results from a C to A substitution at nucleotide position 2111. The alanine at codon 704 is replaced by aspartic acid, an amino acid with dissimilar properties. This amino acid position is conserved. In addition, the in silico prediction for this alteration is inconclusive. Since supporting evidence is limited at this time, the clinical significance of this alteration remains unclear.

NM_000179.3(MSH6):c.2111C>A (p.Ala704Asp)

Gene: MSH6 (mutS homolog 6; plus strand). Cytogenetic location: 2p16.3.
Variant type: single nucleotide variant.
Coding change: c.2111C>A on transcript NM_000179.3 (MANE Select); coding-DNA position 2111, C replaced by A.
Protein change: p.Ala704Asp; replaces alanine 704 with aspartic acid.
Molecular consequence: missense variant. On other transcripts: non-coding transcript variant (5), intron variant (2).
Genome position (GRCh38, 1-based): chr2:47,800,094, C>A. VCF-style: chr2-47800094-C-A. GRCh37 (hg19) VCF-style: chr2-48027233-C-A.
Other names: c.1721C>A, p.Ala574Asp (NM_001281492.2); c.1205C>A, p.Ala402Asp (NM_001281493.2, NM_001281494.2, NM_001406811.1 and 6 more transcripts); c.2207C>A, p.Ala736Asp (NM_001406795.1, NM_001406802.1); c.2111C>A, p.Ala704Asp (NM_001406796.1, NM_001406798.1, NM_001406800.1 and 3 more transcripts); c.1814C>A, p.Ala605Asp (NM_001406797.1, NM_001406801.1, NM_001406805.1 and 10 more transcripts); c.1586C>A, p.Ala529Asp (NM_001406799.1, NM_001406806.1, NM_001406807.1); c.2033C>A, p.Ala678Asp (NM_001406804.1); c.2117C>A, p.Ala706Asp (NM_001406813.1); and 3 more; short protein forms A402D, A648D, A704D, A529D, A678D, A574D, A605D, A706D.
Identifiers: ClinVar variation 2453196 (VCV002453196.2), dbSNP rs370237509, ClinGen allele CA346750944.